The following is an entry in ClinVar:

NM_003743.5(NCOA1):c.1419T>C (p.Asn473=)

Gene: NCOA1 (nuclear receptor coactivator 1; plus strand). Cytogenetic location: 2p23.3.
Variant type: single nucleotide variant.
Coding change: c.1419T>C on transcript NM_003743.5 (MANE Select); coding-DNA position 1419, T replaced by C.
Protein change: p.Asn473=; no amino-acid change (asparagine 473 retained).
Molecular consequence: synonymous variant.
Genome position (GRCh38, 1-based): chr2:24,706,889, T>C. VCF-style: chr2-24706889-T-C. GRCh37 (hg19) VCF-style: chr2-24929758-T-C.
Other names: c.1419T>C, p.Asn473= (NM_001362950.1, NM_001362952.1, NM_001362954.1 and 3 more transcripts).
Identifiers: ClinVar variation 3035086 (VCV003035086.2), dbSNP rs199675376, ClinGen allele CA1552253.

ClinVar aggregate classification (germline): Likely benign (0 of 4 stars; one submission).

Conditions:
NCOA1-related disorder. Also called: NCOA1-related condition.

Allele frequency attached by ClinVar (database versions not stated): gnomAD exomes 0.00001; ExAC 0.00003; gnomAD 0.00013; TOPMed 0.00037; 1000 Genomes Project 0.00040; 1000 Genomes Project 30x 0.00062.
gnomAD v4.1: 34 of 1,614,138 alleles (0.0021%); highest among the groups gnomAD compares: Admixed American, 0.03%; no homozygotes.

Submission:

PreventionGenetics, part of Exact Sciences
Classification: Likely benign for NCOA1-related condition. Last evaluated: 2020-09-17. Review status: no assertion criteria provided. Collection method: clinical testing. Allele origin: germline.
Comment: This variant is classified as likely benign based on ACMG/AMP sequence variant interpretation guidelines (Richards et al. 2015 PMID: 25741868, with internal and published modifications).